The following is an entry in ClinVar:

NM_000428.3(LTBP2):c.282C>A (p.Ser94Arg)

Gene: LTBP2 (latent transforming growth factor beta binding protein 2; minus strand). Cytogenetic location: 14q24.3.
Variant type: single nucleotide variant.
Coding change: c.282C>A on transcript NM_000428.3 (MANE Select); coding-DNA position 282, C replaced by A.
Protein change: p.Ser94Arg; replaces serine 94 with arginine.
Molecular consequence: missense variant.
Genome position (GRCh38, 1-based): chr14:74,611,663, G>T on the plus strand (C>A on the coding strand, the complement: LTBP2 is on the minus strand). VCF-style: chr14-74611663-G-T. GRCh37 (hg19) VCF-style: chr14-75078366-G-T.
Other names: short protein forms S94R.
Identifiers: ClinVar variation 2104716 (VCV002104716.4), dbSNP rs2503025836, ClinGen allele CA390388148.

ClinVar aggregate classification (germline): Uncertain significance (1 of 4 stars; one submission).

Submission:

Labcorp Genetics (formerly Invitae), Labcorp
Classification: Uncertain significance. Last evaluated: 2022-02-28. Review status: criteria provided, single submitter. Criteria: Invitae Variant Classification Sherloc (09022015). Collection method: clinical testing. Allele origin: germline.
Comment: In summary, the available evidence is currently insufficient to determine the role of this variant in disease. Therefore, it has been classified as a Variant of Uncertain Significance. Algorithms developed to predict the effect of missense changes on protein structure and function (SIFT, PolyPhen-2, Align-GVGD) all suggest that this variant is likely to be tolerated. This sequence change replaces serine, which is neutral and polar, with arginine, which is basic and polar, at codon 94 of the LTBP2 protein (p.Ser94Arg). This variant is not present in population databases (gnomAD no frequency). This variant has not been reported in the literature in individuals affected with LTBP2-related conditions.